The following is an entry in ClinVar:

NM_001849.4(COL6A2):c.1459-2_1459-1del

Gene: COL6A2 (collagen type VI alpha 2 chain; plus strand). Cytogenetic location: 21q22.3.
Variant type: Deletion.
Coding change: c.1459-2_1459-1del on transcript NM_001849.4 (MANE Select); the canonical splice acceptor site of the intron before coding-DNA position 1459, 2 bases deleted (AG; older notation c.1459-2_1459-1delAG).
Molecular consequence: splice acceptor variant.
Genome position (GRCh38, 1-based): chr21:46,121,554-46,121,555, AG deleted. VCF-style (leftmost placement, unchanged base first): chr21-46121553-CAG-C. GRCh37 (hg19) VCF-style: chr21-47541467-CAG-C.
Other names: c.1459-2_1459-1del (NM_058175.3, NM_058174.3).
Identifiers: ClinVar variation 3009951 (VCV003009951.3), dbSNP rs2517006827, ClinGen allele CA2740094745.

ClinVar aggregate classification (germline): Likely pathogenic (1 of 4 stars; one submission).

Conditions:
Bethlem myopathy 1A. Also called: MYOPATHY, BENIGN CONGENITAL, WITH CONTRACTURES; Bethlem myopathy 1; Bethlem Muscular Dystrophy. Identifiers: Orphanet 610, MedGen CN029274, MONDO:0024530, OMIM 158810.

Submission:

Labcorp Genetics (formerly Invitae), Labcorp
Classification: Likely pathogenic for Bethlem myopathy 1A. Last evaluated: 2022-12-27. Review status: criteria provided, single submitter. Criteria: Invitae Variant Classification Sherloc (09022015). Collection method: clinical testing. Allele origin: germline.
Comment: This sequence change affects a splice site in intron 17 of the COL6A2 gene. It is expected to disrupt RNA splicing. Variants that disrupt the donor or acceptor splice site typically lead to a loss of protein function (PMID: 16199547), and loss-of-function variants in COL6A2 are known to be disease-causing for autosomal recessive COL6A2 conditions (PMID: 21280092, 20976770). However, certain variants affecting donor or acceptor splice sites in the triple helical domain of COL6A2 are expected to result in in-frame exon skipping and have been reported to cause autosomal dominant COL6A2-related conditions (PMID: 18366090). This variant is not present in population databases (gnomAD no frequency). This variant has not been reported in the literature in individuals affected with COL6A2-related conditions. Algorithms developed to predict the effect of sequence changes on RNA splicing suggest that this variant may disrupt the consensus splice site. In summary, the currently available evidence indicates that the variant is pathogenic, but additional data are needed to prove that conclusively. Therefore, this variant has been classified as Likely Pathogenic.

Literature cited by the submitters: PubMed 16199547; PubMed 21280092; PubMed 20976770; PubMed 18366090.